The following is an entry in ClinVar:

NM_000252.3(MTM1):c.1667G>A (p.Arg556His)

Gene: MTM1 (myotubularin 1; plus strand). Cytogenetic location: Xq28.
Variant type: single nucleotide variant.
Coding change: c.1667G>A on transcript NM_000252.3 (MANE Select); coding-DNA position 1667, G replaced by A.
Protein change: p.Arg556His; replaces arginine 556 with histidine.
Molecular consequence: missense variant.
Genome position (GRCh38, 1-based): chrX:150,671,450, G>A. VCF-style: chrX-150671450-G-A. GRCh37 (hg19) VCF-style: chrX-149839923-G-A.
Other names: c.1664G>A, p.Arg555His (NM_001376906.1); c.1556G>A, p.Arg519His (NM_001376907.1); c.1667G>A, p.Arg556His (NM_001376908.1); short protein forms R556H, R519H, R555H.
Identifiers: ClinVar variation 576601 (VCV000576601.9), dbSNP rs372735301, ClinGen allele CA336163057.

ClinVar aggregate classification (germline): Uncertain significance. Review status: criteria provided, multiple submitters, no conflicts (2 of 4 stars). 3 submissions from 3 submitters: Uncertain significance (2). 1 of the submissions does not count toward it. Last evaluated 2022-03-23.

Conditions:
Inborn genetic diseases. Identifiers: MedGen C0950123, MeSH D030342.
Severe X-linked myotubular myopathy (CNMX). Also called: MYOTUBULAR MYOPATHY 1; Myotubular myopathy, X-linked; X-linked centronuclear myopathy. Identifiers: Orphanet 596, MedGen C0410203, MONDO:0010683, OMIM 310400.

Allele frequency attached by ClinVar (database versions not stated): TOPMed below 0.00001; gnomAD exomes 0.00001; ESP Exome Variant Server 0.00009.
gnomAD v4.1: 10 of 1,211,206 alleles (0.00083%); highest among the groups gnomAD compares: Admixed American, 0.0022%; no homozygotes.

Submissions (3):

Labcorp Genetics (formerly Invitae), Labcorp
Classification: Uncertain significance for Severe X-linked myotubular myopathy. Last evaluated: 2022-03-23. Review status: criteria provided, single submitter. Criteria: Invitae Variant Classification Sherloc (09022015). Collection method: clinical testing. Allele origin: germline.
Comment: This sequence change replaces arginine, which is basic and polar, with histidine, which is basic and polar, at codon 556 of the MTM1 protein (p.Arg556His). This variant is not present in population databases (gnomAD no frequency). This variant has not been reported in the literature in individuals affected with MTM1-related conditions. ClinVar contains an entry for this variant (Variation ID: 576601). Algorithms developed to predict the effect of missense changes on protein structure and function are either unavailable or do not agree on the potential impact of this missense change (SIFT: "Tolerated"; PolyPhen-2: "Probably Damaging"; Align-GVGD: "Class C0"). In summary, the available evidence is currently insufficient to determine the role of this variant in disease. Therefore, it has been classified as a Variant of Uncertain Significance.

Ambry Genetics
Classification: Uncertain significance for Inborn genetic diseases. Last evaluated: 2021-07-15. Review status: criteria provided, single submitter. Criteria: Ambry Variant Classification Scheme 2023. Collection method: clinical testing. Allele origin: germline.

Natera, Inc.
Classification: Uncertain significance for Severe X-linked myotubular myopathy. Last evaluated: 2020-09-17. Review status: no assertion criteria provided. Collection method: clinical testing. Allele origin: germline. Not counted in ClinVar's aggregate classification.